The following is an entry in ClinVar:

ClinVar aggregate classification (germline): Pathogenic (1 of 4 stars; one submission).

Conditions:
Multiple congenital anomalies-hypotonia-seizures syndrome 1 (MCAHS1). Also called: PIGN-CDG; Congenital disorder of glycosylation due to PIGN deficiency; GLYCOSYLPHOSPHATIDYLINOSITOL BIOSYNTHESIS DEFECT 3. Identifiers: Orphanet 280633, MedGen C3279775, MONDO:0013563, OMIM 614080.

Submission:

Labcorp Genetics (formerly Invitae), Labcorp
Classification: Pathogenic for Multiple congenital anomalies-hypotonia-seizures syndrome 1. Last evaluated: 2023-12-09. Review status: criteria provided, single submitter. Criteria: Invitae Variant Classification Sherloc (09022015). Collection method: clinical testing. Allele origin: germline.
Comment: This sequence change creates a premature translational stop signal (p.Asn65Lysfs*13) in the PIGN gene. It is expected to result in an absent or disrupted protein product. Loss-of-function variants in PIGN are known to be pathogenic (PMID: 24253414, 27038415). This variant is not present in population databases (gnomAD no frequency). This variant has not been reported in the literature in individuals affected with PIGN-related conditions. For these reasons, this variant has been classified as Pathogenic.

Literature cited by the submitters: PubMed 24253414; PubMed 27038415.

NM_176787.5(PIGN):c.195del (p.Asn65fs)

Gene: PIGN (phosphatidylinositol glycan anchor biosynthesis class N; minus strand). Cytogenetic location: 18q21.33.
Variant type: Deletion.
Coding change: c.195del on transcript NM_176787.5 (MANE Select); coding-DNA position 195, one base deleted (T; older notation c.195delT).
Protein change: p.Asn65fs; shifts the reading frame from asparagine 65.
Molecular consequence: frameshift variant.
Genome position (GRCh38, 1-based): chr18:62,161,159, A deleted on the plus strand (T on the coding strand, the reverse complement: PIGN is on the minus strand). VCF-style (leftmost placement, unchanged base first): chr18-62161158-CA-C. GRCh37 (hg19) VCF-style: chr18-59828391-CA-C.
Other names: c.195del, p.Asn65fs (NM_012327.6); short protein forms N65fs.
Identifiers: ClinVar variation 2701625 (VCV002701625.3), dbSNP rs2514383522, ClinGen allele CA2697555554.